The following is an entry in ClinVar:

NM_139057.4(ADAMTS17):c.2295+1_2295+2del

Gene: ADAMTS17 (ADAM metallopeptidase with thrombospondin type 1 motif 17; minus strand). Cytogenetic location: 15q26.3.
Variant type: Deletion.
Coding change: c.2295+1_2295+2del on transcript NM_139057.4 (MANE Select); the canonical splice donor site of the intron after coding-DNA position 2295, 2 bases deleted (GT; older notation c.2295+1_2295+2delGT).
Molecular consequence: splice donor variant.
Genome position (GRCh38, 1-based): chr15:100,053,895-100,053,896, AC deleted on the plus strand (GT on the coding strand, the reverse complement: ADAMTS17 is on the minus strand). VCF-style (leftmost placement, unchanged base first): chr15-100053894-TAC-T. GRCh37 (hg19) VCF-style: chr15-100594099-TAC-T.
Identifiers: ClinVar variation 1522019 (VCV001522019.7), dbSNP rs1227702983, ClinGen allele CA620300997.

ClinVar aggregate classification (germline): Likely pathogenic. Review status: criteria provided, multiple submitters, no conflicts (2 of 4 stars). 2 submissions from 2 submitters: Likely pathogenic (2). Last evaluated 2023-11-27.

Conditions:
ADAMTS17-related disorder. Also called: ADAMTS17-related condition.

Allele frequency attached by ClinVar (database versions not stated): TOPMed below 0.00001; gnomAD 0.00001.

Submissions (2):

Labcorp Genetics (formerly Invitae), Labcorp
Classification: Likely pathogenic. Last evaluated: 2023-11-27. Review status: criteria provided, single submitter. Criteria: Invitae Variant Classification Sherloc (09022015). Collection method: clinical testing. Allele origin: germline.
Comment: This sequence change affects a splice site in intron 16 of the ADAMTS17 gene. It is expected to disrupt RNA splicing. Variants that disrupt the donor or acceptor splice site typically lead to a loss of protein function (PMID: 16199547), and loss-of-function variants in ADAMTS17 are known to be pathogenic (PMID: 19836009, 24940034). This variant is present in population databases (no rsID available, gnomAD 0.007%). This variant has not been reported in the literature in individuals affected with ADAMTS17-related conditions. ClinVar contains an entry for this variant (Variation ID: 1522019). Algorithms developed to predict the effect of sequence changes on RNA splicing suggest that this variant may disrupt the consensus splice site. In summary, the currently available evidence indicates that the variant is pathogenic, but additional data are needed to prove that conclusively. Therefore, this variant has been classified as Likely Pathogenic.

Blueprint Genetics
Classification: Likely pathogenic for ADAMTS17-related disorders. Last evaluated: 2022-09-06. Review status: criteria provided, single submitter. Criteria: ACMG Guidelines, 2015. Collection method: clinical testing. Allele origin: germline. Affected: yes. Observed: 1 variant allele.

Literature cited by the submitters: PubMed 16199547 (cited by Labcorp Genetics (formerly Invitae), Labcorp); PubMed 19836009 (cited by Labcorp Genetics (formerly Invitae), Labcorp); PubMed 24940034 (cited by Labcorp Genetics (formerly Invitae), Labcorp).